The following is an entry in ClinVar:

ClinVar aggregate classification (germline): Pathogenic. Review status: criteria provided, multiple submitters, no conflicts (2 of 4 stars). 2 submissions from 2 submitters: Pathogenic (2). Last evaluated 2021-09-05.

Conditions:
Deficiency of alpha-mannosidase (MANSA). Also called: Mannosidosis, alpha-, types I and II; LYSOSOMAL ALPHA-D-MANNOSIDASE DEFICIENCY; Alpha-Mannosidosis. Identifiers: Orphanet 61, MedGen C0024748, MONDO:0009561, OMIM 248500.

Submissions (2):

Genome-Nilou Lab
Classification: Pathogenic for Deficiency of alpha-mannosidase. Last evaluated: 2021-09-05. Review status: criteria provided, single submitter. Criteria: ACMG Guidelines, 2015. Collection method: clinical testing. Allele origin: germline. Affected: no.

Labcorp Genetics (formerly Invitae), Labcorp
Classification: Pathogenic for Deficiency of alpha-mannosidase. Last evaluated: 2019-06-22. Review status: criteria provided, single submitter. Criteria: Invitae Variant Classification Sherloc (09022015). Collection method: clinical testing. Allele origin: germline.
Comment: This sequence change creates a premature translational stop signal (p.Ala854Glyfs*71) in the MAN2B1 gene. It is expected to result in an absent or disrupted protein product. This variant is not present in population databases (ExAC no frequency). This variant has not been reported in the literature in individuals with MAN2B1-related conditions. Loss-of-function variants in MAN2B1 are known to be pathogenic (PMID: 9915946, 22161967). For these reasons, this variant has been classified as Pathogenic.

Literature cited by the submitters: PubMed 9915946 (cited by Labcorp Genetics (formerly Invitae), Labcorp); PubMed 22161967 (cited by Labcorp Genetics (formerly Invitae), Labcorp).

NM_000528.4(MAN2B1):c.2559_2575del (p.Ala854fs)

Gene: MAN2B1 (mannosidase alpha class 2B member 1; minus strand). Cytogenetic location: 19p13.13.
Variant type: Deletion.
Coding change: c.2559_2575del on transcript NM_000528.4 (MANE Select); coding-DNA positions 2559 to 2575, 17 bases deleted (CGCCGGACACCGGCTCC).
Protein change: p.Ala854fs; shifts the reading frame from alanine 854.
Molecular consequence: frameshift variant.
Genome position (GRCh38, 1-based): chr19:12,648,264-12,648,280, GGAGCCGGTGTCCGGCG deleted on the plus strand (CGCCGGACACCGGCTCC on the coding strand, the reverse complement: MAN2B1 is on the minus strand); deleting any 17 consecutive bases within chr19:12,648,264-12,648,281 gives the same sequence; the c. name uses the placement nearest the transcript's 3' end. VCF-style (leftmost placement, unchanged base first): chr19-12648263-AGGAGCCGGTGTCCGGCG-A. GRCh37 (hg19) VCF-style: chr19-12759077-AGGAGCCGGTGTCCGGCG-A.
Other names: c.2556_2572del, p.Ala853fs (NM_001173498.2); short protein forms A853fs, A854fs.
Identifiers: ClinVar variation 945210 (VCV000945210.9), dbSNP rs2023745479, ClinGen allele CA1139666294.